The following is an entry in ClinVar:

NM_001369.3(DNAH5):c.11639A>G (p.Tyr3880Cys)

Gene: DNAH5 (dynein axonemal heavy chain 5; minus strand). Cytogenetic location: 5p15.2.
Variant type: single nucleotide variant.
Coding change: c.11639A>G on transcript NM_001369.3 (MANE Select); coding-DNA position 11639, A replaced by G.
Protein change: p.Tyr3880Cys; replaces tyrosine 3880 with cysteine.
Molecular consequence: missense variant.
Genome position (GRCh38, 1-based): chr5:13,735,253, T>C on the plus strand (A>G on the coding strand, the complement: DNAH5 is on the minus strand). VCF-style: chr5-13735253-T-C. GRCh37 (hg19) VCF-style: chr5-13735362-T-C.
Other names: short protein forms Y3880C.
Identifiers: ClinVar variation 3354802 (VCV003354802.3).

ClinVar aggregate classification (germline): Uncertain significance. Review status: criteria provided, multiple submitters, no conflicts (2 of 4 stars). 3 submissions from 3 submitters: Uncertain significance (2). 1 of the submissions does not count toward it. Last evaluated 2025-10-08.

Conditions:
DNAH5-related disorder. Also called: DNAH5-related condition.
Primary ciliary dyskinesia. Also called: Ciliary dyskinesia. Identifiers: Orphanet 244, MedGen C0008780, MONDO:0016575, HP:0012265.

gnomAD v4.1: 22 of 1,614,142 alleles (0.0014%); highest among the groups gnomAD compares: Admixed American, 0.005%; no homozygotes.

Submissions (3):

Labcorp Genetics (formerly Invitae), Labcorp
Classification: Uncertain significance for Primary ciliary dyskinesia. Last evaluated: 2025-10-08. Review status: criteria provided, single submitter. Criteria: Invitae Variant Classification Sherloc (09022015). Collection method: clinical testing. Allele origin: germline.
Comment: This sequence change replaces tyrosine, which is neutral and polar, with cysteine, which is neutral and slightly polar, at codon 3880 of the DNAH5 protein (p.Tyr3880Cys). This variant is present in population databases (rs368330232, gnomAD 0.009%). This variant has not been reported in the literature in individuals affected with DNAH5-related conditions. ClinVar contains an entry for this variant (Variation ID: 3354802). Invitae Evidence Modeling of protein sequence and biophysical properties (such as structural, functional, and spatial information, amino acid conservation, physicochemical variation, residue mobility, and thermodynamic stability) has been performed for this missense variant. However, the output from this modeling did not meet the statistical confidence thresholds required to predict the impact of this variant on DNAH5 protein function. Algorithms developed to predict the effect of sequence changes on RNA splicing suggest that this variant may create or strengthen a splice site. In summary, the available evidence is currently insufficient to determine the role of this variant in disease. Therefore, it has been classified as a Variant of Uncertain Significance.

Blueprint Genetics
Classification: Uncertain significance. Last evaluated: 2021-12-08. Review status: criteria provided, single submitter. Criteria: ACMG Guidelines, 2015. Collection method: clinical testing. Allele origin: germline.

PreventionGenetics, part of Exact Sciences
Classification: Uncertain significance for DNAH5-related condition. Last evaluated: 2024-07-23. Review status: no assertion criteria provided. Collection method: clinical testing. Allele origin: germline. Not counted in ClinVar's aggregate classification.
Comment: The DNAH5 c.11639A>G variant is predicted to result in the amino acid substitution p.Tyr3880Cys. To our knowledge, this variant has not been reported in the literature. This variant is reported in 0.0087% of alleles in individuals of Latino descent in gnomAD. At this time, the clinical significance of this variant is uncertain due to the absence of conclusive functional and genetic evidence.